The following is an entry in ClinVar:

ClinVar aggregate classification (germline): Pathogenic. Review status: criteria provided, multiple submitters, no conflicts (2 of 4 stars). 7 submissions from 7 submitters: Pathogenic (7). Last evaluated 2026-08-18.

Conditions:
Blepharophimosis, ptosis, and epicanthus inversus syndrome. Identifiers: Orphanet 126, MedGen C0220663, MONDO:0007201, OMIM 110100.
FOXL2-related disorders.
FOXL2-related disorder. Also called: FOXL2-related condition.

Submissions (7):

PreventionGenetics, part of Exact Sciences
Classification: Pathogenic for FOXL2-related condition. Last evaluated: 2026-08-18. Review status: criteria provided, single submitter. Criteria: ACMG Guidelines, 2015. Collection method: clinical testing. Allele origin: germline.
Comment: The FOXL2 c.663_692dup30 variant is predicted to result in an in-frame duplication (p.Ala225_Ala234dup). Poly-alanine expansions in the FOXL2 gene have been reported to be causative for blepharophimosis-ptosis-epicanthus inversus syndrome (BPES) type II (De Baere et al. 2003. PubMed ID: 12529855; Moumné et al. 2008. PubMed ID: 18158309). This location has been reported to be a mutational hotspot in the FOXL2 gene, and this particular variant has been reported in several individuals with BPES (Beysen et al. 2008. PubMed ID: 18642388; Jiang et al. 2013. PubMed ID: 23441113). This variant is absent in a large population database (gnomAD), indicating this variant is rare. We interpret this poly-alanine expansion as pathogenic.

Labcorp Genetics (formerly Invitae), Labcorp
Classification: Pathogenic. Last evaluated: 2025-02-13. Review status: criteria provided, single submitter. Criteria: Invitae Variant Classification Sherloc (09022015). Collection method: clinical testing. Allele origin: germline.
Comment: This variant, c.663_692dup, results in the insertion of 10 amino acid(s) of the FOXL2 protein (p.Ala225_Ala234dup), but otherwise preserves the integrity of the reading frame. This variant is not present in population databases (gnomAD no frequency). This variant has been observed in individuals with FOXL2-related conditions (PMID: 18642388, 23441113). It has also been observed to segregate with disease in related individuals. ClinVar contains an entry for this variant (Variation ID: 369923). For these reasons, this variant has been classified as Pathogenic.

GeneDx
Classification: Pathogenic. Last evaluated: 2024-08-26. Review status: criteria provided, single submitter. Criteria: GeneDx Variant Classification Process June 2021. Collection method: clinical testing. Allele origin: germline.
Comment: Predicted to result in an in-frame addition of 10 amino acids in a poly-alanine tract; Not observed in large population cohorts (gnomAD); This variant is associated with the following publications: (PMID: 23441113, 31048069, 27283035)

Blueprint Genetics
Classification: Pathogenic for FOXL2-related disorders. Last evaluated: 2023-07-01. Review status: criteria provided, single submitter. Criteria: ACMG Guidelines, 2015. Collection method: clinical testing. Allele origin: germline. Affected: yes. Observed: 5 variant alleles.

Wessex Regional Genetics Laboratory, Salisbury District Hospital
Classification: Pathogenic for Blepharophimosis, ptosis, and epicanthus inversus syndrome. Last evaluated: 2017-01-01. Review status: criteria provided, single submitter. Criteria: ACMG Guidelines, 2015. Collection method: clinical testing. Allele origin: de novo. Inheritance: Autosomal dominant inheritance. Affected: yes. Observed: 2 variant alleles.

Genomic Diagnostic Laboratory, Division of Genomic Diagnostics, Children's Hospital of Philadelphia
Classification: Pathogenic for Blepharophimosis, ptosis, and epicanthus inversus syndrome. Last evaluated: 2016-11-03. Review status: criteria provided, single submitter. Criteria: DGD Variant Analysis Guidelines. Collection method: clinical testing. Allele origin: germline. Affected: yes. Observed: 12 variant alleles.
Comment: Clinical Testing

Juno Genomics, Hangzhou Juno Genomics, Inc
Classification: Pathogenic for Blepharophimosis, ptosis, and epicanthus inversus syndrome. Review status: criteria provided, single submitter. Criteria: ACMG Guidelines, 2015. Collection method: clinical testing. Allele origin: germline. Affected: yes.
Comment: Absent from controls (or at extremely low frequency if recessive) in Genome Aggregation Database, Exome Sequencing Project, 1000 Genomes Project, or Exome Aggregation Consortium.;Protein length changes due to in-frame deletions/insertions in a non-repeat region or stop-loss variants.;The prevalence of the variant in affected individuals is significantly increased compared to the prevalence in controls.;Co-segregation with disease in multiple affected family members in a gene definitively known to cause the disease.;Assumed de novo, but without confirmation of paternity and maternity.;Patient's phenotype or family history is highly specific for a disease with a single genetic etiology.

Literature cited by the submitters: PubMed 18642388 (cited by Labcorp Genetics (formerly Invitae), Labcorp); PubMed 23441113 (cited by Labcorp Genetics (formerly Invitae), Labcorp).

NM_023067.4(FOXL2):c.663_692dup (p.Ala225_Ala234dup)

Gene: FOXL2 (forkhead box L2; minus strand). Cytogenetic location: 3q22.3.
Variant type: Duplication.
Coding change: c.663_692dup on transcript NM_023067.4 (MANE Select); coding-DNA positions 663 to 692, 30 bases duplicated (GGCAGCCGCAGCGGCTGCAGCAGCTGCGGC).
Protein change: p.Ala225_Ala234dup.
Molecular consequence: inframe insertion.
Genome position (GRCh38, 1-based): chr3:138,946,031-138,946,060, GCCGCAGCTGCTGCAGCCGCTGCGGCTGCC duplicated on the plus strand (GGCAGCCGCAGCGGCTGCAGCAGCTGCGGC on the coding strand, the reverse complement: FOXL2 is on the minus strand); duplicating any 30 consecutive bases within chr3:138,946,031-138,946,063 gives the same sequence; the c. name uses the placement nearest the transcript's 3' end. VCF-style (leftmost placement, unchanged base first): chr3-138946030-A-AGCCGCAGCTGCTGCAGCCGCTGCGGCTGCC. GRCh37 (hg19) VCF-style: chr3-138664872-A-AGCCGCAGCTGCTGCAGCCGCTGCGGCTGCC.
Identifiers: ClinVar variation 369923 (VCV000369923.12), dbSNP rs764243782, ClinGen allele CA10654871.